The following is an entry in ClinVar:

NM_006204.4(PDE6C):c.1775C>G (p.Ala592Gly)

Gene: PDE6C (phosphodiesterase 6C; plus strand). Cytogenetic location: 10q23.33.
Variant type: single nucleotide variant.
Coding change: c.1775C>G on transcript NM_006204.4 (MANE Select); coding-DNA position 1775, C replaced by G.
Protein change: p.Ala592Gly; replaces alanine 592 with glycine.
Molecular consequence: missense variant.
Genome position (GRCh38, 1-based): chr10:93,640,957, C>G. VCF-style: chr10-93640957-C-G. GRCh37 (hg19) VCF-style: chr10-95400714-C-G.
Other names: short protein forms A592G.
Identifiers: ClinVar variation 1967947 (VCV001967947.6), dbSNP rs761267165, ClinGen allele CA5610297.

ClinVar aggregate classification (germline): Uncertain significance. Review status: criteria provided, single submitter (1 of 4 stars). 2 submissions from 2 submitters: Uncertain significance (1). 1 of the submissions does not count toward it. Last evaluated 2021-12-16.

Conditions:
Retinal dystrophy. Also called: Inherited retinal dystrophy. Identifiers: Orphanet 71862, MedGen C0854723, MeSH D058499, MONDO:0019118, HP:0000556.

Allele frequency attached by ClinVar (database versions not stated): gnomAD exomes below 0.00001; TOPMed below 0.00001; ExAC 0.00001.

Submissions (2):

Labcorp Genetics (formerly Invitae), Labcorp
Classification: Uncertain significance. Last evaluated: 2021-12-16. Review status: criteria provided, single submitter. Criteria: Invitae Variant Classification Sherloc (09022015). Collection method: clinical testing. Allele origin: germline.
Comment: This variant is present in population databases (rs761267165, gnomAD no frequency). In summary, the available evidence is currently insufficient to determine the role of this variant in disease. Therefore, it has been classified as a Variant of Uncertain Significance. Algorithms developed to predict the effect of missense changes on protein structure and function are either unavailable or do not agree on the potential impact of this missense change (SIFT: "Deleterious"; PolyPhen-2: "Probably Damaging"; Align-GVGD: "Class C0"). This variant has not been reported in the literature in individuals affected with PDE6C-related conditions. This sequence change replaces alanine, which is neutral and non-polar, with glycine, which is neutral and non-polar, at codon 592 of the PDE6C protein (p.Ala592Gly).

Institute of Human Genetics, Univ. Regensburg, Univ. Regensburg
Classification: Uncertain significance for Retinal dystrophy. Last evaluated: 2020-01-01. Review status: no assertion criteria provided. Criteria: ACMG Guidelines, 2015. Collection method: clinical testing. Allele origin: germline. Affected: yes. Not counted in ClinVar's aggregate classification.